The following is an entry in ClinVar:

ClinVar aggregate classification (germline): Benign/Likely benign. Review status: criteria provided, multiple submitters, no conflicts (2 of 4 stars). 5 submissions from 5 submitters: Benign (4); Likely benign (1). Last evaluated 2026-01-27.

Conditions:
Early-infantile DEE. Also called: Early infantile epileptic encephalopathy; Ohtahara syndrome; Early infantile epileptic encephalopathy with suppression bursts. Identifiers: Orphanet 1934, MedGen C0393706, MONDO:0800491.
Inborn genetic diseases. Identifiers: MedGen C0950123, MeSH D030342.
Developmental and epileptic encephalopathy, 5 (DEE5). Identifiers: Orphanet 3451, MedGen C3150731, MONDO:0013277, OMIM 613477.

Allele frequency attached by ClinVar (database versions not stated): gnomAD 0.00039 and 0.00065; TOPMed 0.00087; ExAC 0.00162; gnomAD exomes 0.00166; 1000 Genomes Project 30x 0.00234; 1000 Genomes Project 0.00280.
gnomAD v4.1: 1,146 of 1,614,044 alleles (0.071%); highest among the groups gnomAD compares: East Asian, 2.3%; 19 homozygotes.

Submissions (5):

Labcorp Genetics (formerly Invitae), Labcorp
Classification: Benign for Early-infantile DEE. Last evaluated: 2026-01-27. Review status: criteria provided, single submitter. Criteria: Invitae Variant Classification Sherloc (09022015). Collection method: clinical testing. Allele origin: germline.

Genome-Nilou Lab
Classification: Benign for Developmental and epileptic encephalopathy, 5. Last evaluated: 2021-07-15. Review status: criteria provided, single submitter. Criteria: ACMG Guidelines, 2015. Collection method: clinical testing. Allele origin: germline. Affected: no.

Ambry Genetics
Classification: Benign for Inborn genetic diseases. Last evaluated: 2016-12-02. Review status: criteria provided, single submitter. Criteria: Ambry Variant Classification Scheme 2023. Collection method: clinical testing. Allele origin: germline.

GeneDx
Classification: Benign. Last evaluated: 2014-02-26. Review status: criteria provided, single submitter. Criteria: GeneDx Variant Classification (06012015). Collection method: clinical testing. Allele origin: germline. Affected: yes.
Comment: This variant is considered likely benign or benign based on one or more of the following criteria: it is a conservative change, it occurs at a poorly conserved position in the protein, it is predicted to be benign by multiple in silico algorithms, and/or has population frequency not consistent with disease.

Genetic Services Laboratory, University of Chicago
Classification: Likely benign. Last evaluated: 2013-04-18. Review status: criteria provided, single submitter. Criteria: ACMG Guidelines, 2007. Collection method: clinical testing. Allele origin: germline. Inheritance: Autosomal dominant inheritance.

NM_001130438.3(SPTAN1):c.5523C>T (p.Ile1841=)

Gene: SPTAN1 (spectrin alpha, non-erythrocytic 1; plus strand). Cytogenetic location: 9q34.11.
Variant type: single nucleotide variant.
Coding change: c.5523C>T on transcript NM_001130438.3 (MANE Select); coding-DNA position 5523, C replaced by T.
Protein change: p.Ile1841=; no amino-acid change (isoleucine 1841 retained).
Molecular consequence: synonymous variant.
Genome position (GRCh38, 1-based): chr9:128,618,031, C>T. VCF-style: chr9-128618031-C-T. GRCh37 (hg19) VCF-style: chr9-131380310-C-T.
Other names: p.I1841I:ATC>ATT; c.5448C>T, p.Ile1816= (NM_001195532.2); c.5523C>T, p.Ile1841= (NM_001363759.2); c.5463C>T, p.Ile1821= (NM_001363765.2); c.5508C>T, p.Ile1836= (NM_003127.4).
Identifiers: ClinVar variation 139301 (VCV000139301.22), dbSNP rs79569204, ClinGen allele CA295185.